The following is an entry in ClinVar:

ClinVar aggregate classification (germline): Conflicting classifications of pathogenicity. Review status: criteria provided, conflicting classifications (1 of 4 stars). 3 submissions from 3 submitters: Uncertain significance (2); Likely benign (1). Last evaluated 2026-07-06.

Conditions:
Hereditary cancer-predisposing syndrome. Also called: Neoplastic Syndromes, Hereditary; Hereditary neoplastic syndrome; Hereditary Cancer Syndrome; Tumor predisposition. Identifiers: Orphanet 140162, MedGen C0027672, MeSH D009386, MONDO:0015356.
Hereditary nonpolyposis colorectal neoplasms. Identifiers: MedGen C0009405, MeSH D003123.

Allele frequency attached by ClinVar (database versions not stated): gnomAD exomes below 0.00001.
gnomAD v4.1: 1 of 1,614,072 alleles (0.000062%); highest among the groups gnomAD compares: Non-Finnish European, 0.000085%; no homozygotes.

Submissions (3):

Ambry Genetics
Classification: Likely benign for Hereditary cancer-predisposing syndrome. Last evaluated: 2026-07-06. Review status: criteria provided, single submitter. Criteria: Ambry Variant Classification Scheme 2023. Collection method: clinical testing. Allele origin: germline.

Color Diagnostics, LLC DBA Color Health
Classification: Uncertain significance for Hereditary cancer-predisposing syndrome. Last evaluated: 2023-08-08. Review status: criteria provided, single submitter. Criteria: ACMG Guidelines, 2015. Collection method: clinical testing. Allele origin: germline.
Comment: This missense variant replaces serine with asparagine at codon 445 of the PMS2 protein. Computational prediction suggests that this variant may not impact protein structure and function (internally defined REVEL score threshold <= 0.5, PMID: 27666373). To our knowledge, functional studies have not been reported for this variant. This variant has not been reported in individuals affected with PMS2-related disorders in the literature. This variant has not been identified in the general population by the Genome Aggregation Database (gnomAD). The available evidence is insufficient to determine the role of this variant in disease conclusively. Therefore, this variant is classified as a Variant of Uncertain Significance.

Labcorp Genetics (formerly Invitae), Labcorp
Classification: Uncertain significance for Hereditary nonpolyposis colorectal neoplasms. Last evaluated: 2022-09-02. Review status: criteria provided, single submitter. Criteria: Invitae Variant Classification Sherloc (09022015). Collection method: clinical testing. Allele origin: germline.
Comment: In summary, the available evidence is currently insufficient to determine the role of this variant in disease. Therefore, it has been classified as a Variant of Uncertain Significance. Advanced modeling of protein sequence and biophysical properties (such as structural, functional, and spatial information, amino acid conservation, physicochemical variation, residue mobility, and thermodynamic stability) performed at Invitae indicates that this missense variant is not expected to disrupt PMS2 protein function. ClinVar contains an entry for this variant (Variation ID: 455648). This variant has not been reported in the literature in individuals affected with PMS2-related conditions. This variant is not present in population databases (gnomAD no frequency). This sequence change replaces serine, which is neutral and polar, with asparagine, which is neutral and polar, at codon 445 of the PMS2 protein (p.Ser445Asn).

NM_000535.7(PMS2):c.1334G>A (p.Ser445Asn)

Gene: PMS2 (PMS1 homolog 2, mismatch repair system component; minus strand). Cytogenetic location: 7p22.1.
Variant type: single nucleotide variant.
Coding change: c.1334G>A on transcript NM_000535.7 (MANE Select); coding-DNA position 1334, G replaced by A.
Protein change: p.Ser445Asn; replaces serine 445 with asparagine.
Molecular consequence: missense variant. On other transcripts: non-coding transcript variant (1).
Genome position (GRCh38, 1-based): chr7:5,987,431, C>T on the plus strand (G>A on the coding strand, the complement: PMS2 is on the minus strand). VCF-style: chr7-5987431-C-T. GRCh37 (hg19) VCF-style: chr7-6027062-C-T.
Other names: c.929G>A, p.Ser310Asn (NM_001322003.2, NM_001322004.2, NM_001322005.2 and 1 more transcripts); c.1178G>A, p.Ser393Asn (NM_001322006.2); c.1016G>A, p.Ser339Asn (NM_001322007.2, NM_001322008.2); c.773G>A, p.Ser258Asn (NM_001322010.2); c.401G>A, p.Ser134Asn (NM_001322011.2, NM_001322012.2); c.761G>A, p.Ser254Asn (NM_001322013.2); c.1334G>A, p.Ser445Asn (NM_001322014.2); c.1025G>A, p.Ser342Asn (NM_001322015.2); short protein forms S445N, S393N, S258N, S339N, S134N, S254N, S310N, S342N.
Identifiers: ClinVar variation 455648 (VCV000455648.11), dbSNP rs1554297872, ClinGen allele CA366742312.